The following is an entry in ClinVar:

ClinVar aggregate classification (germline): Uncertain significance (1 of 4 stars; one submission).

Allele frequency attached by ClinVar (database versions not stated): ExAC 0.00008; ESP Exome Variant Server 0.00008.
gnomAD v4.1: 156 of 1,613,466 alleles (0.0097%); highest among the groups gnomAD compares: Middle Eastern, 0.016%; no homozygotes.

Submission:

GeneDx
Classification: Uncertain significance. Last evaluated: 2022-05-19. Review status: criteria provided, single submitter. Criteria: GeneDx Variant Classification Process June 2021. Collection method: clinical testing. Allele origin: germline. Affected: yes.
Comment: Has not been previously published as pathogenic or benign to our knowledge; In silico analysis supports that this missense variant has a deleterious effect on protein structure/function

NM_005883.3(APC2):c.1369C>A (p.Pro457Thr)

Gene: APC2 (APC regulator of WNT signaling pathway 2; plus strand). Cytogenetic location: 19p13.3.
Variant type: single nucleotide variant.
Coding change: c.1369C>A on transcript NM_005883.3 (MANE Select); coding-DNA position 1369, C replaced by A.
Protein change: p.Pro457Thr; replaces proline 457 with threonine.
Molecular consequence: missense variant.
Genome position (GRCh38, 1-based): chr19:1,460,246, C>A. VCF-style: chr19-1460246-C-A. GRCh37 (hg19) VCF-style: chr19-1460245-C-A.
Other names: c.1366C>A, p.Pro456Thr (NM_001351273.1); short protein forms P456T, P457T.
Identifiers: ClinVar variation 1706140 (VCV001706140.2), dbSNP rs375267656, ClinGen allele CA9045046.
Genomic context (GRCh38, chr19:1,460,246, plus strand): 5'-CTGCAGGCCGTGGCAGAGCTGCTGCAGGTTGACTATGAGATGCACAAGATGACCCGGGAC[C>A]CGCTGAACCTGGCGCTGCGCCGCTACGCGGGCATGACCCTCACCAACCTCACCTTTGGGG-3'
Protein context (NP_005874.1, residues 447-467): DYEMHKMTRD[Pro457Thr]LNLALRRYAG